The following is an entry in ClinVar:

NM_002972.4(SBF1):c.4733C>G (p.Ser1578Cys)

Gene: SBF1 (SET binding factor 1; minus strand). Cytogenetic location: 22q13.33.
Variant type: single nucleotide variant.
Coding change: c.4733C>G on transcript NM_002972.4 (MANE Select); coding-DNA position 4733, C replaced by G.
Protein change: p.Ser1578Cys; replaces serine 1578 with cysteine.
Molecular consequence: missense variant.
Genome position (GRCh38, 1-based): chr22:50,454,893, G>C on the plus strand (C>G on the coding strand, the complement: SBF1 is on the minus strand). VCF-style: chr22-50454893-G-C. GRCh37 (hg19) VCF-style: chr22-50893322-G-C.
Other names: c.4658C>G, p.Ser1553Cys (NM_001365819.1); c.4736C>G, p.Ser1579Cys (NM_001410794.1); c.4655C>G, p.Ser1552Cys (NM_001410795.1); c.4733C>G, p.Ser1578Cys (NM_197971.1); c.4733C>G (NM_002972.2); short protein forms S1552C, S1578C, S1579C, S1553C.
Identifiers: ClinVar variation 2177235 (VCV002177235.3), dbSNP rs780725556, ClinGen allele CA10316143.

ClinVar aggregate classification (germline): Uncertain significance. Review status: criteria provided, multiple submitters, no conflicts (2 of 4 stars). 2 submissions from 2 submitters: Uncertain significance (2). Last evaluated 2023-11-29.

Allele frequency attached by ClinVar (database versions not stated): ExAC 0.00001; gnomAD 0.00003; TOPMed 0.00009.
gnomAD v4.1: 15 of 1,613,954 alleles (0.00093%); highest among the groups gnomAD compares: Middle Eastern, 0.033%; 1 homozygote.

Submissions (2):

Ambry Genetics
Classification: Uncertain significance. Last evaluated: 2023-11-29. Review status: criteria provided, single submitter. Criteria: Ambry Variant Classification Scheme 2023. Collection method: clinical testing. Allele origin: germline.

Labcorp Genetics (formerly Invitae), Labcorp
Classification: Uncertain significance. Last evaluated: 2022-06-17. Review status: criteria provided, single submitter. Criteria: Invitae Variant Classification Sherloc (09022015). Collection method: clinical testing. Allele origin: germline.
Comment: In summary, the available evidence is currently insufficient to determine the role of this variant in disease. Therefore, it has been classified as a Variant of Uncertain Significance. Algorithms developed to predict the effect of missense changes on protein structure and function are either unavailable or do not agree on the potential impact of this missense change (SIFT: "Deleterious"; PolyPhen-2: "Benign"; Align-GVGD: "Class C0"). This variant has not been reported in the literature in individuals affected with SBF1-related conditions. This variant is present in population databases (rs780725556, gnomAD 0.01%). This sequence change replaces serine, which is neutral and polar, with cysteine, which is neutral and slightly polar, at codon 1578 of the SBF1 protein (p.Ser1578Cys).